The following is an entry in ClinVar:

ClinVar aggregate classification (germline): Uncertain significance (1 of 4 stars; one submission).

Conditions:
Multiple endocrine neoplasia, type 1 (MEN1). Also called: MEA I; MEN I; WERMER SYNDROME; Endocrine adenomatosis multiple; MEN 1. Identifiers: Orphanet 652, MedGen C0025267, MeSH D018761, MONDO:0007540, OMIM 131100.

Submission:

Labcorp Genetics (formerly Invitae), Labcorp
Classification: Uncertain significance for Multiple endocrine neoplasia, type 1. Last evaluated: 2025-06-16. Review status: criteria provided, single submitter. Criteria: Invitae Variant Classification Sherloc (09022015). Collection method: clinical testing. Allele origin: germline.
Comment: This sequence change replaces arginine, which is basic and polar, with glycine, which is neutral and non-polar, at codon 456 of the MEN1 protein (p.Arg456Gly). This variant is not present in population databases (gnomAD no frequency). This variant has not been reported in the literature in individuals affected with MEN1-related conditions. Invitae Evidence Modeling of protein sequence and biophysical properties (such as structural, functional, and spatial information, amino acid conservation, physicochemical variation, residue mobility, and thermodynamic stability) indicates that this missense variant is not expected to disrupt MEN1 protein function with a negative predictive value of 95%. In summary, the available evidence is currently insufficient to determine the role of this variant in disease. Therefore, it has been classified as a Variant of Uncertain Significance.

NM_001370259.2(MEN1):c.1366C>G (p.Arg456Gly)

Gene: MEN1 (menin 1; minus strand). Cytogenetic location: 11q13.1.
Variant type: single nucleotide variant.
Coding change: c.1366C>G on transcript NM_001370259.2 (MANE Select); coding-DNA position 1366, C replaced by G.
Protein change: p.Arg456Gly; replaces arginine 456 with glycine.
Molecular consequence: missense variant. On other transcripts: non-coding transcript variant (4).
Genome position (GRCh38, 1-based): chr11:64,804,801, G>C on the plus strand (C>G on the coding strand, the complement: MEN1 is on the minus strand). VCF-style: chr11-64804801-G-C. GRCh37 (hg19) VCF-style: chr11-64572273-G-C.
Other names: c.1492C>G, p.Arg498Gly (NM_001407144.1, NM_001370251.2, NM_001407142.1 and 1 more transcripts); c.1381C>G, p.Arg461Gly (NM_001407145.1, NM_000244.4, NM_130800.3 and 4 more transcripts); c.1366C>G, p.Arg456Gly (NM_001407146.1, NM_001407147.1, NM_001370260.2 and 2 more transcripts); c.1261C>G, p.Arg421Gly (NM_001407148.1, NM_001407149.1, NM_001370262.2 and 1 more transcripts); c.1507C>G, p.Arg503Gly (NM_001407150.1); c.1387C>G, p.Arg463Gly (NM_001407151.1); c.1201C>G, p.Arg401Gly (NM_001407152.1); short protein forms R401G, R421G, R456G, R461G, R463G, R498G, R503G.
Identifiers: ClinVar variation 4800416 (VCV004800416.1).